The following is an entry in ClinVar:

NM_004036.5(ADCY3):c.1855G>A (p.Glu619Lys)

Gene: ADCY3 (adenylate cyclase 3; minus strand). Cytogenetic location: 2p23.3.
Variant type: single nucleotide variant.
Coding change: c.1855G>A on transcript NM_004036.5 (MANE Select); coding-DNA position 1855, G replaced by A.
Protein change: p.Glu619Lys; replaces glutamic acid 619 with lysine.
Molecular consequence: missense variant.
Genome position (GRCh38, 1-based): chr2:24,834,597, C>T on the plus strand (G>A on the coding strand, the complement: ADCY3 is on the minus strand). VCF-style: chr2-24834597-C-T. GRCh37 (hg19) VCF-style: chr2-25057466-C-T.
Other names: c.1855G>A, p.Glu619Lys (NM_001320613.2, NM_001377129.1, NM_001377130.1 and 1 more transcripts); c.1921G>A, p.Glu641Lys (NM_001377128.1); c.1132G>A, p.Glu378Lys (NM_001377131.1); short protein forms E378K, E619K, E641K.
Identifiers: ClinVar variation 3350827 (VCV003350827.1).

ClinVar aggregate classification (germline): Uncertain significance (0 of 4 stars; one submission).

Conditions:
ADCY3-related disorder. Also called: ADCY3-related condition.

gnomAD v4.1: 10 of 1,614,142 alleles (0.00062%); highest among the groups gnomAD compares: East Asian, 0.0045%; no homozygotes.

Submission:

PreventionGenetics, part of Exact Sciences
Classification: Uncertain significance for ADCY3-related condition. Last evaluated: 2024-08-14. Review status: no assertion criteria provided. Collection method: clinical testing. Allele origin: germline.
Comment: The ADCY3 c.1855G>A variant is predicted to result in the amino acid substitution p.Glu619Lys. To our knowledge, this variant has not been reported in the literature. This variant is reported in 0.010% of alleles in individuals of East Asian descent in gnomAD. At this time, the clinical significance of this variant is uncertain due to the absence of conclusive functional and genetic evidence.